The following is an entry in ClinVar:

NM_005629.4(SLC6A8):c.1639T>C (p.Tyr547His)

Gene: SLC6A8 (solute carrier family 6 member 8; plus strand). Cytogenetic location: Xq28.
Variant type: single nucleotide variant.
Coding change: c.1639T>C on transcript NM_005629.4 (MANE Select); coding-DNA position 1639, T replaced by C.
Protein change: p.Tyr547His; replaces tyrosine 547 with histidine.
Molecular consequence: missense variant.
Genome position (GRCh38, 1-based): chrX:153,694,761, T>C. VCF-style: chrX-153694761-T-C. GRCh37 (hg19) VCF-style: chrX-152960216-T-C.
Other names: c.1609T>C, p.Tyr537His (NM_001142805.2); c.1294T>C, p.Tyr432His (NM_001142806.1); short protein forms Y432H, Y537H, Y547H.
Identifiers: ClinVar variation 2085995 (VCV002085995.4), dbSNP rs2522169716, ClinGen allele CA415090697.

ClinVar aggregate classification (germline): Uncertain significance (1 of 4 stars; one submission).

Conditions:
Creatine transporter deficiency (CCDS1). Also called: Creatine Transporter (CRTR) Deficiency; Mental retardation , X-linked with seizures, short stature and midface hypoplasia; Mental retardation , X-linked, with creatine transport deficiency; X-linked creatine transporter deficiency; X-linked creatine deficiency syndrome; SLC6A8-Related Creatine Transporter Deficiency. Identifiers: Orphanet 52503, MedGen C1845862, MONDO:0010305, OMIM 300352.

Submission:

Labcorp Genetics (formerly Invitae), Labcorp
Classification: Uncertain significance for Creatine transporter deficiency. Last evaluated: 2022-01-19. Review status: criteria provided, single submitter. Criteria: Invitae Variant Classification Sherloc (09022015). Collection method: clinical testing. Allele origin: germline.
Comment: In summary, the available evidence is currently insufficient to determine the role of this variant in disease. Therefore, it has been classified as a Variant of Uncertain Significance. Algorithms developed to predict the effect of missense changes on protein structure and function (SIFT, PolyPhen-2, Align-GVGD) all suggest that this variant is likely to be disruptive. This variant has not been reported in the literature in individuals affected with SLC6A8-related conditions. This variant is not present in population databases (gnomAD no frequency). This sequence change replaces tyrosine, which is neutral and polar, with histidine, which is basic and polar, at codon 547 of the SLC6A8 protein (p.Tyr547His).